The following is an entry in ClinVar:

NM_004360.5(CDH1):c.-18C>T

Genes: CDH1 (cadherin 1; plus strand), LOC130059290 (ATAC-STARR-seq lymphoblastoid silent region 7650; plus strand). Cytogenetic location: 16q22.1.
Variant type: single nucleotide variant.
Coding change: c.-18C>T on transcript NM_004360.5 (MANE Select); 18 bases upstream of the start codon, C replaced by T.
Molecular consequence: 5 prime UTR variant.
Genome position (GRCh38, 1-based): chr16:68,737,398, C>T. VCF-style: chr16-68737398-C-T. GRCh37 (hg19) VCF-style: chr16-68771301-C-T.
Other names: c.-18C>T (LRG_301t1, NM_001317184.2); c.-1633C>T (NM_001317185.2); c.-1837C>T (NM_001317186.2).
Identifiers: ClinVar variation 127904 (VCV000127904.3), dbSNP rs587780111, ClinGen allele CA288012.

ClinVar aggregate classification (germline): Conflicting classifications of pathogenicity. Review status: criteria provided, conflicting classifications (1 of 4 stars). 2 submissions from 2 submitters: Uncertain significance (1); Likely benign (1). Last evaluated 2019-03-26.

Conditions:
Hereditary cancer-predisposing syndrome. Also called: Hereditary neoplastic syndrome; Neoplastic Syndromes, Hereditary; Hereditary Cancer Syndrome; Tumor predisposition. Identifiers: Orphanet 140162, MedGen C0027672, MeSH D009386, MONDO:0015356.

Allele frequency attached by ClinVar (database versions not stated): gnomAD exomes below 0.00001 and 0.00001.
gnomAD v4.1: 5 of 1,530,336 alleles (0.00033%); highest among the groups gnomAD compares: Non-Finnish European, 0.00044%; no homozygotes.

Submissions (2):

Color Diagnostics, LLC DBA Color Health
Classification: Uncertain significance for Hereditary cancer-predisposing syndrome. Last evaluated: 2019-03-26. Review status: criteria provided, single submitter. Criteria: ACMG Guidelines, 2015. Collection method: clinical testing. Allele origin: germline.

GeneDx
Classification: Likely benign. Last evaluated: 2014-03-23. Review status: criteria provided, single submitter. Criteria: GeneDx Variant Classification (06012015). Collection method: clinical testing. Allele origin: germline. Affected: yes.
Comment: This variant is considered likely benign or benign based on one or more of the following criteria: it is a conservative change, it occurs at a poorly conserved position in the protein, it is predicted to be benign by multiple in silico algorithms, and/or has population frequency not consistent with disease.